The following is an entry in ClinVar:

ClinVar aggregate classification (germline): Conflicting classifications of pathogenicity. Review status: criteria provided, conflicting classifications (1 of 4 stars). 3 submissions from 3 submitters: Uncertain significance (2); Likely benign (1). Last evaluated 2025-08-03.

Conditions:
Autosomal recessive spastic paraplegia type 78. Identifiers: Orphanet 513436, MedGen C5567893, MONDO:0014975, OMIM 617225.
Kufor-Rakeb syndrome (KRS). Also called: PARKINSON DISEASE 9, AUTOSOMAL RECESSIVE, JUVENILE-ONSET. Identifiers: Orphanet 306674, Orphanet 314632, MedGen C1847640, MONDO:0011706, OMIM 606693.
Inborn genetic diseases. Identifiers: MedGen C0950123, MeSH D030342.

Allele frequency attached by ClinVar (database versions not stated): ExAC 0.00002; gnomAD exomes 0.00002 and 0.00004; 1000 Genomes Project 30x 0.00031; 1000 Genomes Project 0.00040.
gnomAD v4.1: 52 of 1,587,680 alleles (0.0033%); highest among the groups gnomAD compares: African/African-American, 0.039%; no homozygotes.

Submissions (3):

Ambry Genetics
Classification: Likely benign for Inborn genetic diseases. Last evaluated: 2025-08-03. Review status: criteria provided, single submitter. Criteria: Ambry Variant Classification Scheme 2023. Collection method: clinical testing. Allele origin: germline.

Labcorp Genetics (formerly Invitae), Labcorp
Classification: Uncertain significance for Kufor-Rakeb syndrome; Autosomal recessive spastic paraplegia type 78. Last evaluated: 2022-07-05. Review status: criteria provided, single submitter. Criteria: Invitae Variant Classification Sherloc (09022015). Collection method: clinical testing. Allele origin: germline.
Comment: This sequence change replaces arginine, which is basic and polar, with histidine, which is basic and polar, at codon 1148 of the ATP13A2 protein (p.Arg1148His). This variant is present in population databases (rs533548757, gnomAD 0.05%). This variant has not been reported in the literature in individuals affected with ATP13A2-related conditions. ClinVar contains an entry for this variant (Variation ID: 1410594). Advanced modeling of protein sequence and biophysical properties (such as structural, functional, and spatial information, amino acid conservation, physicochemical variation, residue mobility, and thermodynamic stability) performed at Invitae indicates that this missense variant is not expected to disrupt ATP13A2 protein function. In summary, the available evidence is currently insufficient to determine the role of this variant in disease. Therefore, it has been classified as a Variant of Uncertain Significance.

Fulgent Genetics
Classification: Uncertain significance for Kufor-Rakeb syndrome; Autosomal recessive spastic paraplegia type 78. Last evaluated: 2021-09-15. Review status: criteria provided, single submitter. Criteria: ACMG Guidelines, 2015. Collection method: clinical testing. Allele origin: unknown.

NM_022089.4(ATP13A2):c.3443G>A (p.Arg1148His)

Gene: ATP13A2 (ATPase cation transporting 13A2; minus strand). Cytogenetic location: 1p36.13.
Variant type: single nucleotide variant.
Coding change: c.3443G>A on transcript NM_022089.4 (MANE Select); coding-DNA position 3443, G replaced by A.
Protein change: p.Arg1148His; replaces arginine 1148 with histidine.
Molecular consequence: missense variant. On other transcripts: synonymous variant (1).
Genome position (GRCh38, 1-based): chr1:16,986,321, C>T on the plus strand (G>A on the coding strand, the complement: ATP13A2 is on the minus strand). VCF-style: chr1-16986321-C-T. GRCh37 (hg19) VCF-style: chr1-17312816-C-T.
Other names: c.3428G>A, p.Arg1143His (NM_001141973.3); c.3141G>A, p.Pro1047= (NM_001141974.3); c.3443G>A (NM_022089.2); short protein forms R1148H, R1143H.
Identifiers: ClinVar variation 1410594 (VCV001410594.7), dbSNP rs533548757, ClinGen allele CA636481.